The following is an entry in ClinVar:

NM_000138.5(FBN1):c.4971_4972del (p.Ile1657fs)

Gene: FBN1 (fibrillin 1; minus strand). Cytogenetic location: 15q21.1.
Variant type: Deletion.
Coding change: c.4971_4972del on transcript NM_000138.5 (MANE Select); coding-DNA positions 4971 to 4972, 2 bases deleted (CT; older notation c.4971_4972delCT).
Protein change: p.Ile1657fs; shifts the reading frame from isoleucine 1657.
Molecular consequence: frameshift variant.
Genome position (GRCh38, 1-based): chr15:48,463,992-48,463,993, AG deleted on the plus strand (CT on the coding strand, the reverse complement: FBN1 is on the minus strand); deleting any 2 consecutive bases within chr15:48,463,992-48,463,994 gives the same sequence; the c. name uses the placement nearest the transcript's 3' end. VCF-style (leftmost placement, unchanged base first): chr15-48463991-CAG-C. GRCh37 (hg19) VCF-style: chr15-48756188-CAG-C.
Other names: short protein forms I1657fs.
Identifiers: ClinVar variation 1453221 (VCV001453221.6), dbSNP rs2141267737, ClinGen allele CA2573150768.

ClinVar aggregate classification (germline): Pathogenic (1 of 4 stars; one submission).

Conditions:
Marfan syndrome (MFS). Also called: MARFAN SYNDROME, TYPE I; Marfan syndrome type 1; Marfan's syndrome; Marfan syndrome, classic; FBN1-Related Marfan Syndrome. Identifiers: Orphanet 284963, Orphanet 558, MedGen C0024796, MONDO:0007947, OMIM 154700.
Familial thoracic aortic aneurysm and aortic dissection (TAAD). Also called: Thoracic aortic aneurysms and dissections. Identifiers: Orphanet 91387, MedGen C4707243, MONDO:0019625.

Submission:

Labcorp Genetics (formerly Invitae), Labcorp
Classification: Pathogenic for Marfan syndrome; Familial thoracic aortic aneurysm and aortic dissection. Last evaluated: 2021-02-03. Review status: criteria provided, single submitter. Criteria: Invitae Variant Classification Sherloc (09022015). Collection method: clinical testing. Allele origin: germline.
Comment: This variant has not been reported in the literature in individuals with FBN1-related conditions. For these reasons, this variant has been classified as Pathogenic. This sequence change creates a premature translational stop signal (p.Ile1657Metfs*29) in the FBN1 gene. It is expected to result in an absent or disrupted protein product. Loss-of-function variants in FBN1 are known to be pathogenic (PMID: 17657824, 19293843). This variant is not present in population databases (ExAC no frequency).

Literature cited by the submitters: PubMed 17657824; PubMed 19293843.